The following is an entry in ClinVar:

ClinVar aggregate classification (germline): Uncertain significance. Review status: criteria provided, multiple submitters, no conflicts (2 of 4 stars). 3 submissions from 3 submitters: Uncertain significance (3). Last evaluated 2026-09-16.

Conditions:
Marfan syndrome (MFS). Also called: Marfan syndrome, classic; MARFAN SYNDROME, TYPE I; Marfan syndrome type 1; Marfan's syndrome; FBN1-Related Marfan Syndrome. Identifiers: Orphanet 284963, Orphanet 558, MedGen C0024796, MONDO:0007947, OMIM 154700.

Allele frequency attached by ClinVar (database versions not stated): gnomAD exomes 0.00001.
gnomAD v4.1: 14 of 1,613,934 alleles (0.00087%); highest among the groups gnomAD compares: Non-Finnish European, 0.0012%; no homozygotes.

Submissions (3):

GeneDx
Classification: Uncertain significance. Last evaluated: 2026-09-16. Review status: criteria provided, single submitter. Criteria: GeneDx Variant Classification Process June 2021. Collection method: clinical testing. Allele origin: germline.
Comment: Not observed at significant frequency in large population cohorts (gnomAD); In silico analysis supports that this missense variant has a deleterious effect on protein structure/function; Has not been previously published as pathogenic or benign to our knowledge; Does not affect a cysteine or calcium-binding residue within an EGF-like domain or a TGF-binding protein domain of the FBN1 gene; cysteine substitutions in the EGF-like domains represent the majority of pathogenic missense changes associated with FBN1-related disorders (PMID: 12938084); This variant is associated with the following publications: (PMID: 12938084)

All of Us Research Program, National Institutes of Health
Classification: Uncertain significance for Marfan syndrome. Last evaluated: 2024-08-13. Review status: criteria provided, single submitter. Criteria: ACMG Guidelines, 2015. Collection method: clinical testing. Allele origin: germline. Inheritance: Autosomal dominant inheritance. Observed: 2 variant alleles, 2 heterozygotes.
Comment: This missense variant replaces glycine with arginine at codon 2400 of the FBN1 protein. Computational prediction suggests that this variant may have deleterious impact on protein structure and function (internally defined REVEL score threshold >= 0.7, PMID: 27666373). To our knowledge, functional studies have not been reported for this variant. This variant has not been reported in individuals affected with FBN1-related disorders in the literature. This variant has not been identified in the general population by the Genome Aggregation Database (gnomAD). The available evidence is insufficient to determine the role of this variant in disease conclusively. Therefore, this variant is classified as a Variant of Uncertain Significance.

This study involves interpretation of variants in research participants for the purpose of population health screening. Participant phenotype was not available at the time of variant classification. Additional details can be found in publication PMID: 35346344, PMCID: PMC8962531

AiLife Diagnostics
Classification: Uncertain significance. Last evaluated: 2022-01-18. Review status: criteria provided, single submitter. Criteria: ACMG Guidelines, 2015. Collection method: clinical testing. Allele origin: germline. Affected: yes. Observed: 1 variant allele.

NM_000138.5(FBN1):c.7198G>A (p.Gly2400Arg)

Gene: FBN1 (fibrillin 1; minus strand). Cytogenetic location: 15q21.1.
Variant type: single nucleotide variant.
Coding change: c.7198G>A on transcript NM_000138.5 (MANE Select); coding-DNA position 7198, G replaced by A.
Protein change: p.Gly2400Arg; replaces glycine 2400 with arginine.
Molecular consequence: missense variant.
Genome position (GRCh38, 1-based): chr15:48,427,573, C>T on the plus strand (G>A on the coding strand, the complement: FBN1 is on the minus strand). VCF-style: chr15-48427573-C-T. GRCh37 (hg19) VCF-style: chr15-48719770-C-T.
Other names: short protein forms G2400R.
Identifiers: ClinVar variation 1677810 (VCV001677810.5), dbSNP rs2141228805, ClinGen allele CA392329058.